The following is an entry in ClinVar:

ClinVar aggregate classification (germline): Likely pathogenic (1 of 4 stars; one submission).

Conditions:
Au-Kline syndrome. Also called: Neurodevelopmental disorder-craniofacial dysmorphism-cardiac defect-hip dysplasia syndrome due to a point mutation; Okamoto syndrome. Identifiers: Orphanet 2729, Orphanet 453499, Orphanet 453504, MedGen C4225274, MONDO:0014700, OMIM 616580.

Submission:

Laboratorio de Genetica e Diagnostico Molecular, Hospital Israelita Albert Einstein
Classification: Likely pathogenic for Au-Kline syndrome. Last evaluated: 2026-03-12. Review status: criteria provided, single submitter. Criteria: ACMG Guidelines, 2015. Collection method: clinical testing. Allele origin: germline. Affected: yes.
Comment: ACMG classification criteria: PVS1 very strong, PM2 supporting

NM_031263.4(HNRNPK):c.952G>T (p.Gly318Ter)

Gene: HNRNPK (heterogeneous nuclear ribonucleoprotein K; minus strand). Cytogenetic location: 9q21.32.
Variant type: single nucleotide variant.
Coding change: c.952G>T on transcript NM_031263.4 (MANE Select); coding-DNA position 952, G replaced by T.
Protein change: p.Gly318Ter; replaces glycine 318 with a stop codon.
Molecular consequence: nonsense.
Genome position (GRCh38, 1-based): chr9:83,971,883, C>A on the plus strand (G>T on the coding strand, the complement: HNRNPK is on the minus strand). VCF-style: chr9-83971883-C-A. GRCh37 (hg19) VCF-style: chr9-86586798-C-A.
Other names: c.880G>T, p.Gly294Ter (NM_001318186.2, NM_001318187.2); c.952G>T, p.Gly318Ter (NM_001318188.2, NM_002140.5, NM_031262.4); short protein forms G294*, G318*.
Identifiers: ClinVar variation 4846811 (VCV004846811.1).